The following is an entry in ClinVar:

NM_014009.4(FOXP3):c.168CTC[1] (p.Ser60del)

Gene: FOXP3 (forkhead box P3; minus strand). Cytogenetic location: Xp11.23.
Variant type: Microsatellite.
Coding change: c.168CTC[1] on transcript NM_014009.4 (MANE Select); one copy of the 3-base unit CTC starting at c.168; the reference has two copies in a row; one copy, 3 bases deleted; also written c.171_173del.
Protein change: p.Ser60del; deletes serine 60.
Molecular consequence: inframe deletion.
Genome position (GRCh38, 1-based): chrX:49,258,333-49,258,335, GAG deleted on the plus strand (CTC on the coding strand, the reverse complement: FOXP3 is on the minus strand); deleting any 3 consecutive bases within chrX:49,258,333-49,258,339 gives the same sequence; the position shown is the placement nearest the transcript's 3' end. VCF-style (leftmost placement, unchanged base first): chrX-49258332-AGAG-A. GRCh37 (hg19) VCF-style: chrX-49114789-AGAG-A.
Other names: c.171_173del (NM_014009.4); c.168CTC[1], p.Ser60del (NM_001114377.2); short protein forms S60del.
Identifiers: ClinVar variation 791688 (VCV000791688.16), dbSNP rs781861708, ClinGen allele CA10411849.

ClinVar aggregate classification (germline): Conflicting classifications of pathogenicity. Review status: criteria provided, conflicting classifications (1 of 4 stars). 3 submissions from 3 submitters: Uncertain significance (1); Benign (1); Likely benign (1). Last evaluated 2026-01-09.

Conditions:
Insulin-dependent diabetes mellitus secretory diarrhea syndrome (IPEX). Also called: X-Linked Autoimmunity-Allergic Dysregulation Syndrome; Immune dysregulation-polyendocrinopathy-enteropathy-X-linked syndrome; IMMUNODEFICIENCY, POLYENDOCRINOPATHY, AND ENTEROPATHY, X-LINKED; DIABETES MELLITUS, CONGENITAL INSULIN-DEPENDENT, WITH FATAL SECRETORY DIARRHEA; DIARRHEA, POLYENDOCRINOPATHY, FATAL INFECTION SYNDROME, X-LINKED; ENTEROPATHY, AUTOIMMUNE, WITH HEMOLYTIC ANEMIA AND POLYENDOCRINOPATHY. Identifiers: Orphanet 37042, MedGen C0342288, MONDO:0010580, OMIM 304790. Disease mechanism: loss of function.
Monogenic diabetes. Identifiers: Orphanet 183625, MedGen C3888631, MONDO:0015967.

Submissions (3):

Labcorp Genetics (formerly Invitae), Labcorp
Classification: Benign for Insulin-dependent diabetes mellitus secretory diarrhea syndrome. Last evaluated: 2026-01-09. Review status: criteria provided, single submitter. Criteria: Invitae Variant Classification Sherloc (09022015). Collection method: clinical testing. Allele origin: germline.

Genetic Services Laboratory, University of Chicago
Classification: Likely benign. Last evaluated: 2020-11-10. Review status: criteria provided, single submitter. Criteria: ACMG Guidelines, 2015. Collection method: clinical testing. Allele origin: germline. Affected: no.

Personalized Diabetes Medicine Program, University of Maryland School of Medicine
Classification: Uncertain significance for Monogenic diabetes. Last evaluated: 2018-11-16. Review status: criteria provided, single submitter. Criteria: ACMG Guidelines, 2015. Collection method: research. Allele origin: unknown. Observed: 1 variant allele, 1 homozygote.
Comment: ACMG criteria: PM4 (nonframeshift), BS1(8 hemizygotes [7 in AA and 1 inSA] in gnomAD and 300 patients reported worldwide, but disease penetrance/variability even with same mutation; ESP shows 2 homozgotes in European American and 7 hemizygotes from all subjects=VUS